The following is an entry in ClinVar:

ClinVar aggregate classification (germline): Uncertain significance (1 of 4 stars; one submission).

Conditions:
Cardiovascular phenotype. Identifiers: MedGen CN230736.

Submission:

Ambry Genetics
Classification: Uncertain significance for Cardiovascular phenotype. Last evaluated: 2023-07-27. Review status: criteria provided, single submitter. Criteria: Ambry Variant Classification Scheme 2023. Collection method: clinical testing. Allele origin: germline.
Comment: The p.R2101S variant (also known as c.6303G>T), located in coding exon 47 of the CACNA1C gene, results from a G to T substitution at nucleotide position 6303. The arginine at codon 2101 is replaced by serine, an amino acid with dissimilar properties. This amino acid position is well conserved in available vertebrate species. In addition, the in silico prediction for this alteration is inconclusive. Since supporting evidence is limited at this time, the clinical significance of this alteration remains unclear.

NM_000719.7(CACNA1C):c.6303G>T (p.Arg2101Ser)

Genes: CACNA1C (calcium voltage-gated channel subunit alpha1 C; plus strand), CACNA1C-AS1 (CACNA1C antisense RNA 1; minus strand). Cytogenetic location: 12p13.33.
Variant type: single nucleotide variant.
Coding change: c.6303G>T on transcript NM_000719.7 (MANE Select); coding-DNA position 6303, G replaced by T.
Protein change: p.Arg2101Ser; replaces arginine 2101 with serine.
Molecular consequence: missense variant. On other transcripts: non-coding transcript variant (1).
Genome position (GRCh38, 1-based): chr12:2,691,085, G>T. VCF-style: chr12-2691085-G-T. GRCh37 (hg19) VCF-style: chr12-2800251-G-T.
Other names: c.6447G>T, p.Arg2149Ser (NM_001129827.2); c.6426G>T, p.Arg2142Ser (NM_001129829.2); c.6408G>T, p.Arg2136Ser (NM_001129830.3, NM_001167624.3); c.6387G>T, p.Arg2129Ser (NM_001129831.2); c.6363G>T, p.Arg2121Ser (NM_001129832.2); c.6360G>T, p.Arg2120Ser (NM_001129833.2, NM_001129834.2, NM_001129835.2); c.6354G>T, p.Arg2118Ser (NM_001129836.2); c.6327G>T, p.Arg2109Ser (NM_001129837.2, NM_001129838.2); and 6 more; short protein forms R2120S, R2161S, R2090S, R2098S, R2149S, R2129S, R2101S, R2107S.
Identifiers: ClinVar variation 2586956 (VCV002586956.2), dbSNP rs2535508531, ClinGen allele CA383387118.
Genomic context (GRCh38, chr12:2,691,085, plus strand): 5'-CCTCAGCGGGGGCGCCCCACAGAGCCCCAATGGCGCCCTCTTACCCTTTGTGAACTGCAG[G>T]GACGCGGGGCAGGACCGAGCCGGGGGCGAAGAGGACGCGGGCTGTGTGCGCGCGCGGGGT-3'
Protein context (NP_000710.5, residues 2091-2111): NGALLPFVNC[Arg2101Ser]DAGQDRAGGE